The following is an entry in ClinVar:

NM_001349253.2(SCN11A):c.2130T>G (p.Ile710Met)

Gene: SCN11A (sodium voltage-gated channel alpha subunit 11; minus strand). Cytogenetic location: 3p22.2.
Variant type: single nucleotide variant.
Coding change: c.2130T>G on transcript NM_001349253.2 (MANE Select); coding-DNA position 2130, T replaced by G.
Protein change: p.Ile710Met; replaces isoleucine 710 with methionine.
Molecular consequence: missense variant.
Genome position (GRCh38, 1-based): chr3:38,897,118, A>C on the plus strand (T>G on the coding strand, the complement: SCN11A is on the minus strand). VCF-style: chr3-38897118-A-C. GRCh37 (hg19) VCF-style: chr3-38938609-A-C.
Other names: c.2130T>G, p.Ile710Met (NM_014139.3); short protein forms I710M.
Identifiers: ClinVar variation 1786404 (VCV001786404.5), dbSNP rs369560302, ClinGen allele CA2322124.

ClinVar aggregate classification (germline): Uncertain significance. Review status: criteria provided, multiple submitters, no conflicts (2 of 4 stars). 2 submissions from 2 submitters: Uncertain significance (2). Last evaluated 2025-12-08.

Conditions:
Inborn genetic diseases. Identifiers: MedGen C0950123, MeSH D030342.
Familial episodic pain syndrome with predominantly lower limb involvement. Also called: Episodic pain syndrome, familial, 3. Identifiers: Orphanet 391384, Orphanet 391392, MedGen C3809899, MONDO:0014247, OMIM 615552.
Hereditary sensory and autonomic neuropathy type 7. Also called: HSAN VII; Neuropathy, hereditary sensory and autonomic, type VII. Identifiers: Orphanet 391397, MedGen C3809882, MONDO:0014244, OMIM 615548.

Allele frequency attached by ClinVar (database versions not stated): ExAC 0.00002; gnomAD 0.00002; ESP Exome Variant Server 0.00008; TOPMed 0.00002; gnomAD exomes 0.00001.
gnomAD v4.1: 14 of 1,613,984 alleles (0.00087%); highest among the groups gnomAD compares: Middle Eastern, 0.066%; no homozygotes.

Submissions (2):

Labcorp Genetics (formerly Invitae), Labcorp
Classification: Uncertain significance for Familial episodic pain syndrome with predominantly lower limb involvement; Hereditary sensory and autonomic neuropathy type 7. Last evaluated: 2025-12-08. Review status: criteria provided, single submitter. Criteria: Invitae Variant Classification Sherloc (09022015). Collection method: clinical testing. Allele origin: germline.
Comment: This sequence change replaces isoleucine, which is neutral and non-polar, with methionine, which is neutral and non-polar, at codon 710 of the SCN11A protein (p.Ile710Met). This variant is present in population databases (rs369560302, gnomAD 0.003%). This variant has not been reported in the literature in individuals affected with SCN11A-related conditions. ClinVar contains an entry for this variant (Variation ID: 1786404). Invitae Evidence Modeling of protein sequence and biophysical properties (such as structural, functional, and spatial information, amino acid conservation, physicochemical variation, residue mobility, and thermodynamic stability) indicates that this missense variant is expected to disrupt SCN11A protein function with a positive predictive value of 80%. In summary, the available evidence is currently insufficient to determine the role of this variant in disease. Therefore, it has been classified as a Variant of Uncertain Significance.

Ambry Genetics
Classification: Uncertain significance for Inborn genetic diseases. Last evaluated: 2025-06-07. Review status: criteria provided, single submitter. Criteria: Ambry Variant Classification Scheme 2023. Collection method: clinical testing. Allele origin: germline.